The following is an entry in ClinVar:

NM_144670.6(A2ML1):c.467C>T (p.Ser156Phe)

Gene: A2ML1 (alpha-2-macroglobulin like 1; plus strand). Cytogenetic location: 12p13.31.
Variant type: single nucleotide variant.
Coding change: c.467C>T on transcript NM_144670.6 (MANE Select); coding-DNA position 467, C replaced by T.
Protein change: p.Ser156Phe; replaces serine 156 with phenylalanine.
Molecular consequence: missense variant.
Genome position (GRCh38, 1-based): chr12:8,834,666, C>T. VCF-style: chr12-8834666-C-T. GRCh37 (hg19) VCF-style: chr12-8987262-C-T.
Other names: short protein forms S156F.
Identifiers: ClinVar variation 406197 (VCV000406197.10), dbSNP rs755364579, ClinGen allele CA6435316.
Genomic context (GRCh38, chr12:8,834,666, plus strand): 5'-TTATTCTTATTGCTGTCAACCTTCTTTAACCCGCATTATCTGGTTTTCCTTTTCAGTACT[C>T]CATGGTGGAACTACAGGTAAGCGGAAGTTTCTTTCTCTTCTCTGTCAGTTGTGGAAGAGG-3'
Protein context (NP_653271.3, residues 146-166): SNFVPVNDKY[Ser156Phe]MVELQDPNSN

ClinVar aggregate classification (germline): Uncertain significance (1 of 4 stars; one submission).

Allele frequency attached by ClinVar (database versions not stated): gnomAD exomes below 0.00001 and 0.00001; ExAC 0.00001.
gnomAD v4.1: 3 of 1,614,200 alleles (0.00019%); highest among the groups gnomAD compares: South Asian, 0.0011%; no homozygotes.

Submission:

Labcorp Genetics (formerly Invitae), Labcorp
Classification: Uncertain significance. Last evaluated: 2022-07-06. Review status: criteria provided, single submitter. Criteria: Invitae Variant Classification Sherloc (09022015). Collection method: clinical testing. Allele origin: germline.
Comment: This variant has not been reported in the literature in individuals affected with A2ML1-related conditions. In summary, the available evidence is currently insufficient to determine the role of this variant in disease. Therefore, it has been classified as a Variant of Uncertain Significance. Algorithms developed to predict the effect of missense changes on protein structure and function are either unavailable or do not agree on the potential impact of this missense change (SIFT: "Deleterious"; PolyPhen-2: "Possibly Damaging"; Align-GVGD: "Class C0"). ClinVar contains an entry for this variant (Variation ID: 406197). This variant is present in population databases (rs755364579, gnomAD 0.002%). This sequence change replaces serine, which is neutral and polar, with phenylalanine, which is neutral and non-polar, at codon 156 of the A2ML1 protein (p.Ser156Phe).